The following is an entry in ClinVar:

NM_000395.3(CSF2RB):c.1165G>A (p.Glu389Lys)

Gene: CSF2RB (colony stimulating factor 2 receptor subunit beta; plus strand). Cytogenetic location: 22q12.3.
Variant type: single nucleotide variant.
Coding change: c.1165G>A on transcript NM_000395.3 (MANE Select); coding-DNA position 1165, G replaced by A.
Protein change: p.Glu389Lys; replaces glutamic acid 389 with lysine.
Molecular consequence: missense variant.
Genome position (GRCh38, 1-based): chr22:36,933,844, G>A. VCF-style: chr22-36933844-G-A. GRCh37 (hg19) VCF-style: chr22-37329886-G-A.
Other names: c.1183G>A, p.Glu395Lys (NM_001410827.1); short protein forms E389K, E395K.
Identifiers: ClinVar variation 4745683 (VCV004745683.1).
Genomic context (GRCh38, chr22:36,933,844, plus strand): 5'-GCTCCCACGGGCACCGGGCCAGGCCTCACCCTCAGTGCCAACCCACAGGACAGCAAGACC[G>A]AGACCCTCCAGAACGCCCACAGCATGGCCCTGCCAGCCCTGGAGCCCTCCACCAGGTACT-3'
Protein context (NP_000386.1, residues 379-399): DTATWKDSKT[Glu389Lys]TLQNAHSMAL

ClinVar aggregate classification (germline): Uncertain significance (1 of 4 stars; one submission).

gnomAD v4.1: 10 of 1,608,426 alleles (0.00062%); highest among the groups gnomAD compares: Admixed American, 0.0033%; no homozygotes.

Submission:

Labcorp Genetics (formerly Invitae), Labcorp
Classification: Uncertain significance. Last evaluated: 2025-10-24. Review status: criteria provided, single submitter. Criteria: Invitae Variant Classification Sherloc (09022015). Collection method: clinical testing. Allele origin: germline.
Comment: This sequence change replaces glutamic acid, which is acidic and polar, with lysine, which is basic and polar, at codon 389 of the CSF2RB protein (p.Glu389Lys). The frequency data for this variant in the population databases is considered unreliable, as metrics indicate poor data quality at this position in the gnomAD database. This variant has not been reported in the literature in individuals affected with CSF2RB-related conditions. Invitae Evidence Modeling of protein sequence and biophysical properties (such as structural, functional, and spatial information, amino acid conservation, physicochemical variation, residue mobility, and thermodynamic stability) has been performed for this missense variant. However, the output from this modeling did not meet the statistical confidence thresholds required to predict the impact of this variant on CSF2RB protein function. In summary, the available evidence is currently insufficient to determine the role of this variant in disease. Therefore, it has been classified as a Variant of Uncertain Significance.